The following is an entry in ClinVar:

NM_001330574.2(ZNF711):c.79+6G>A

Gene: ZNF711 (ZFX family zinc finger ZNF711; plus strand). Cytogenetic location: Xq21.1.
Variant type: single nucleotide variant.
Coding change: c.79+6G>A on transcript NM_001330574.2 (MANE Select); 6 bases into the intron after coding-DNA position 79, G replaced by A.
Molecular consequence: intron variant.
Genome position (GRCh38, 1-based): chrX:85,247,657, G>A. VCF-style: chrX-85247657-G-A. GRCh37 (hg19) VCF-style: chrX-84502663-G-A.
Other names: c.79+6G>A (NM_001375433.1, NM_001375435.1, NM_001375436.1 and 5 more transcripts).
Identifiers: ClinVar variation 2661002 (VCV002661002.24), dbSNP rs373653025, ClinGen allele CA10464569.
Genomic context (GRCh38, chrX:85,247,657, plus strand): 5'-GGATTGCACACGCCAGACTCTAGAATGGCCCATACCATGATTATGCAAGATTTTGGTAAA[G>A]CATTTTCTTTGTTGTATTTTTTTCTTTTTTAGAAGTAAGGGGATAATAAAAATCAAAAAT-3'

ClinVar aggregate classification (germline): Likely benign (1 of 4 stars; one submission).

Allele frequency attached by ClinVar (database versions not stated): TOPMed 0.00002; gnomAD 0.00005; ESP Exome Variant Server 0.00009; ExAC 0.00039.
gnomAD v4.1: 104 of 1,200,815 alleles (0.0087%); highest among the groups gnomAD compares: South Asian, 0.012%; no homozygotes.

Submission:

CeGaT Center for Human Genetics Tuebingen
Classification: Likely benign. Last evaluated: 2023-07-01. Review status: criteria provided, single submitter. Criteria: CeGaT Center For Human Genetics Tuebingen Variant Classification Criteria Version 2. Collection method: clinical testing. Allele origin: germline. Affected: yes. Observed: 1 variant allele.
Comment: ZNF711: BP4, BS2